The following is an entry in ClinVar:

ClinVar aggregate classification (germline): Uncertain significance. Review status: criteria provided, single submitter (1 of 4 stars). 2 submissions from 2 submitters: Uncertain significance (1). 1 of the submissions does not count toward it. Last evaluated 2025-09-29.

Conditions:
NRP1-related disorder. Also called: NRP1-related condition.

gnomAD v4.1: 10 of 1,613,760 alleles (0.00062%); highest among the groups gnomAD compares: African/African-American, 0.012%; no homozygotes.

Submissions (2):

Ambry Genetics
Classification: Uncertain significance. Last evaluated: 2025-09-29. Review status: criteria provided, single submitter. Criteria: Ambry Variant Classification Scheme 2023. Collection method: clinical testing. Allele origin: germline.

PreventionGenetics, part of Exact Sciences
Classification: Uncertain significance for NRP1-related condition. Last evaluated: 2024-03-04. Review status: no assertion criteria provided. Collection method: clinical testing. Allele origin: germline. Not counted in ClinVar's aggregate classification.
Comment: The NRP1 c.2566C>A variant is predicted to result in the amino acid substitution p.Pro856Thr. To our knowledge, this variant has not been reported in the literature. This variant is reported in 0.016% of alleles in individuals of African descent in gnomAD. At this time, the clinical significance of this variant is uncertain due to the absence of conclusive functional and genetic evidence.

NM_003873.7(NRP1):c.2566C>A (p.Pro856Thr)

Gene: NRP1 (neuropilin 1; minus strand). Cytogenetic location: 10p11.22.
Variant type: single nucleotide variant.
Coding change: c.2566C>A on transcript NM_003873.7 (MANE Select); coding-DNA position 2566, C replaced by A.
Protein change: p.Pro856Thr; replaces proline 856 with threonine.
Molecular consequence: missense variant. On other transcripts: non-coding transcript variant (1).
Genome position (GRCh38, 1-based): chr10:33,180,282, G>T on the plus strand (C>A on the coding strand, the complement: NRP1 is on the minus strand). VCF-style: chr10-33180282-G-T. GRCh37 (hg19) VCF-style: chr10-33469210-G-T.
Other names: c.2545C>A, p.Pro849Thr (NM_001244973.2); c.2515C>A, p.Pro839Thr (NM_001330068.2); c.2548C>A, p.Pro850Thr (NM_001244972.2); short protein forms P839T, P849T, P850T, P856T.
Identifiers: ClinVar variation 3352211 (VCV003352211.2).